The following is an entry in ClinVar:

ClinVar aggregate classification (germline): Uncertain significance. Review status: criteria provided, multiple submitters, no conflicts (2 of 4 stars). 2 submissions from 2 submitters: Uncertain significance (2). Last evaluated 2025-11-26.

Conditions:
Pseudohypoaldosteronism type 2C (PHA2C). Also called: Pseudohypoaldosteronism Type IIC. Identifiers: Orphanet 757, Orphanet 88940, MedGen C1840391, MONDO:0013778, OMIM 614492.
Neuropathy, hereditary sensory and autonomic, type 2A (HSAN2A). Also called: MORVAN DISEASE; NEUROPATHY, CONGENITAL SENSORY; NEUROPATHY, HEREDITARY SENSORY RADICULAR, AUTOSOMAL RECESSIVE; NEUROPATHY, HEREDITARY SENSORY, TYPE IIA; NEUROPATHY, PROGRESSIVE SENSORY, OF CHILDREN; WNK1-Related HSAN2 (HSAN2A). Identifiers: Orphanet 970, MedGen C2752089, MONDO:0024309, OMIM 201300.
Inborn genetic diseases. Identifiers: MedGen C0950123, MeSH D030342.

Allele frequency attached by ClinVar (database versions not stated): gnomAD exomes 0.00001; TOPMed 0.00002; gnomAD 0.00003.
gnomAD v4.1: 18 of 1,535,988 alleles (0.0012%); highest among the groups gnomAD compares: African/African-American, 0.0041%; no homozygotes.

Submissions (2):

Labcorp Genetics (formerly Invitae), Labcorp
Classification: Uncertain significance for Neuropathy, hereditary sensory and autonomic, type 2A; Pseudohypoaldosteronism type 2C. Last evaluated: 2025-11-26. Review status: criteria provided, single submitter. Criteria: Invitae Variant Classification Sherloc (09022015). Collection method: clinical testing. Allele origin: germline.
Comment: This sequence change replaces proline, which is neutral and non-polar, with serine, which is neutral and polar, at codon 760 of the WNK1 protein (p.Pro760Ser). The frequency data for this variant in the population databases is considered unreliable, as metrics indicate poor data quality at this position in the gnomAD database. This variant has not been reported in the literature in individuals affected with WNK1-related conditions. ClinVar contains an entry for this variant (Variation ID: 838054). Invitae Evidence Modeling of protein sequence and biophysical properties (such as structural, functional, and spatial information, amino acid conservation, physicochemical variation, residue mobility, and thermodynamic stability) indicates that this missense variant is not expected to disrupt WNK1 protein function with a negative predictive value of 95%. In summary, the available evidence is currently insufficient to determine the role of this variant in disease. Therefore, it has been classified as a Variant of Uncertain Significance.

Ambry Genetics
Classification: Uncertain significance for Inborn genetic diseases. Last evaluated: 2021-02-24. Review status: criteria provided, single submitter. Criteria: Ambry Variant Classification Scheme 2023. Collection method: clinical testing. Allele origin: germline.
Comment: The p.P760S variant (also known as c.2278C>T), located in coding exon 9 of the WNK1 gene, results from a C to T substitution at nucleotide position 2278. The proline at codon 760 is replaced by serine, an amino acid with similar properties. This amino acid position is well conserved in available vertebrate species. In addition, this alteration is predicted to be tolerated by in silico analysis. Since supporting evidence is limited at this time, the clinical significance of this alteration remains unclear.

NM_213655.5(WNK1):c.2278C>T (p.Pro760Ser)

Gene: WNK1 (WNK lysine deficient protein kinase 1; plus strand). Cytogenetic location: 12p13.33.
Variant type: single nucleotide variant.
Coding change: c.2278C>T on transcript NM_213655.5 (MANE Plus Clinical); coding-DNA position 2278, C replaced by T.
Protein change: p.Pro760Ser; replaces proline 760 with serine.
Molecular consequence: missense variant. On other transcripts: intron variant (3).
Genome position (GRCh38, 1-based): chr12:865,248, C>T. VCF-style: chr12-865248-C-T. GRCh37 (hg19) VCF-style: chr12-974414-C-T.
Other names: c.2140-2618C>T (NM_001184985.2); c.2139+2978C>T (NM_018979.4, NM_014823.3); short protein forms P760S.
Identifiers: ClinVar variation 838054 (VCV000838054.9), dbSNP rs1040459926, ClinGen allele CA231495688.